The following is an entry in ClinVar:

ClinVar aggregate classification (germline): Uncertain significance (1 of 4 stars; one submission).

Conditions:
Inborn genetic diseases. Identifiers: MedGen C0950123, MeSH D030342.

Submission:

Ambry Genetics
Classification: Uncertain significance for Inborn genetic diseases. Last evaluated: 2025-07-07. Review status: criteria provided, single submitter. Criteria: Ambry Variant Classification Scheme 2023. Collection method: clinical testing. Allele origin: germline.
Comment: The p.L341V variant (also known as c.1021C>G), located in coding exon 10 of the DDX41 gene, results from a C to G substitution at nucleotide position 1021. The leucine at codon 341 is replaced by valine, an amino acid with highly similar properties. This amino acid position is conserved. In addition, the in silico prediction for this alteration is inconclusive. Based on the available evidence, the clinical significance of this variant remains unclear.

NM_016222.4(DDX41):c.1021C>G (p.Leu341Val)

Gene: DDX41 (DEAD-box helicase 41; minus strand). Cytogenetic location: 5q35.3.
Variant type: single nucleotide variant.
Coding change: c.1021C>G on transcript NM_016222.4 (MANE Select); coding-DNA position 1021, C replaced by G.
Protein change: p.Leu341Val; replaces leucine 341 with valine.
Molecular consequence: missense variant.
Genome position (GRCh38, 1-based): chr5:177,513,762, G>C on the plus strand (C>G on the coding strand, the complement: DDX41 is on the minus strand). VCF-style: chr5-177513762-G-C. GRCh37 (hg19) VCF-style: chr5-176940763-G-C.
Other names: c.643C>G, p.Leu215Val (NM_001321732.2, NM_001321830.2); short protein forms L215V, L341V.
Identifiers: ClinVar variation 4238759 (VCV004238759.1).